The following is an entry in ClinVar:

NM_015378.4(VPS13D):c.2518G>T (p.Asp840Tyr)

Gene: VPS13D (vacuolar protein sorting 13 homolog D; plus strand). Cytogenetic location: 1p36.22.
Variant type: single nucleotide variant.
Coding change: c.2518G>T on transcript NM_015378.4 (MANE Select); coding-DNA position 2518, G replaced by T.
Protein change: p.Asp840Tyr; replaces aspartic acid 840 with tyrosine.
Molecular consequence: missense variant.
Genome position (GRCh38, 1-based): chr1:12,276,106, G>T. VCF-style: chr1-12276106-G-T. GRCh37 (hg19) VCF-style: chr1-12336163-G-T.
Other names: c.2518G>T, p.Asp840Tyr (NM_018156.4); short protein forms D840Y.
Identifiers: ClinVar variation 2186083 (VCV002186083.4), dbSNP rs1364525835, ClinGen allele CA338471946.

ClinVar aggregate classification (germline): Uncertain significance (1 of 4 stars; one submission).

gnomAD v4.1: 11 of 1,614,124 alleles (0.00068%); highest among the groups gnomAD compares: Non-Finnish European, 0.00093%; no homozygotes.

Submission:

Labcorp Genetics (formerly Invitae), Labcorp
Classification: Uncertain significance. Last evaluated: 2022-02-07. Review status: criteria provided, single submitter. Criteria: Invitae Variant Classification Sherloc (09022015). Collection method: clinical testing. Allele origin: germline.
Comment: This sequence change replaces aspartic acid, which is acidic and polar, with tyrosine, which is neutral and polar, at codon 840 of the VPS13D protein (p.Asp840Tyr). In summary, the available evidence is currently insufficient to determine the role of this variant in disease. Therefore, it has been classified as a Variant of Uncertain Significance. Algorithms developed to predict the effect of missense changes on protein structure and function are either unavailable or do not agree on the potential impact of this missense change (SIFT: "Deleterious"; PolyPhen-2: "Benign"; Align-GVGD: "Class C0"). This variant has not been reported in the literature in individuals affected with VPS13D-related conditions. This variant is not present in population databases (gnomAD no frequency).